The following is an entry in ClinVar:

NM_138459.5(NUS1):c.52C>G (p.Leu18Val)

Gene: NUS1 (NUS1 dehydrodolichyl diphosphate synthase subunit; plus strand). Cytogenetic location: 6q22.1.
Variant type: single nucleotide variant.
Coding change: c.52C>G on transcript NM_138459.5 (MANE Select); coding-DNA position 52, C replaced by G.
Protein change: p.Leu18Val; replaces leucine 18 with valine.
Molecular consequence: missense variant.
Genome position (GRCh38, 1-based): chr6:117,675,722, C>G. VCF-style: chr6-117675722-C-G. GRCh37 (hg19) VCF-style: chr6-117996885-C-G.
Other names: short protein forms L18V.
Identifiers: ClinVar variation 1439418 (VCV001439418.8), dbSNP rs1772962465, ClinGen allele CA365535796.
Genomic context (GRCh38, chr6:117,675,722, plus strand): 5'-CACAAGAGTATGACGGGGCTGTACGAGCTGGTGTGGCGGGTGCTGCACGCGCTGCTCTGT[C>G]TGCACCGCACGCTCACCTCCTGGCTCCGCGTTCGGTTCGGCACCTGGAACTGGATCTGGC-3'
Protein context (NP_612468.1, residues 8-28): VWRVLHALLC[Leu18Val]HRTLTSWLRV

ClinVar aggregate classification (germline): Uncertain significance (1 of 4 stars; one submission).

Conditions:
Congenital disorder of glycosylation, type Iaa. Also called: Congenital disorder of glycosylation, type 1aa. Identifiers: MedGen C4310727, MONDO:0014904, OMIM 617082.

Submission:

Labcorp Genetics (formerly Invitae), Labcorp
Classification: Uncertain significance for Congenital disorder of glycosylation, type Iaa. Last evaluated: 2026-01-21. Review status: criteria provided, single submitter. Criteria: Invitae Variant Classification Sherloc (09022015). Collection method: clinical testing. Allele origin: germline.
Comment: This sequence change replaces leucine, which is neutral and non-polar, with valine, which is neutral and non-polar, at codon 18 of the NUS1 protein (p.Leu18Val). This variant is not present in population databases (gnomAD no frequency). This variant has not been reported in the literature in individuals affected with NUS1-related conditions. ClinVar contains an entry for this variant (Variation ID: 1439418). An algorithm developed to predict the effect of missense changes on protein structure and function (PolyPhen-2) suggests that this variant is likely to be tolerated. In summary, the available evidence is currently insufficient to determine the role of this variant in disease. Therefore, it has been classified as a Variant of Uncertain Significance.